The following is an entry in ClinVar:

ClinVar aggregate classification (germline): Uncertain significance (1 of 4 stars; one submission).

Allele frequency attached by ClinVar (database versions not stated): gnomAD exomes 0.00002.

Submission:

Ambry Genetics
Classification: Uncertain significance. Last evaluated: 2023-11-17. Review status: criteria provided, single submitter. Criteria: Ambry Variant Classification Scheme 2023. Collection method: clinical testing. Allele origin: germline.
Comment: The p.D71N variant (also known as c.211G>A), located in coding exon 1 of the MNDA gene, results from a G to A substitution at nucleotide position 211. The aspartic acid at codon 71 is replaced by asparagine, an amino acid with highly similar properties. This amino acid position is conserved. In addition, this alteration is predicted to be tolerated by in silico analysis. Since supporting evidence is limited at this time, the clinical significance of this alteration remains unclear.

NM_002432.3(MNDA):c.211G>A (p.Asp71Asn)

Gene: MNDA (myeloid cell nuclear differentiation antigen; plus strand). Cytogenetic location: 1q23.1.
Variant type: single nucleotide variant.
Coding change: c.211G>A on transcript NM_002432.3 (MANE Select); coding-DNA position 211, G replaced by A.
Protein change: p.Asp71Asn; replaces aspartic acid 71 with asparagine.
Molecular consequence: missense variant.
Genome position (GRCh38, 1-based): chr1:158,842,364, G>A. VCF-style: chr1-158842364-G-A. GRCh37 (hg19) VCF-style: chr1-158812154-G-A.
Other names: short protein forms D71N.
Identifiers: ClinVar variation 1786227 (VCV001786227.2), dbSNP rs1199627553, ClinGen allele CA343037040.
Genomic context (GRCh38, chr1:158,842,364, plus strand): 5'-TTGATGGAAAAAAAGTTCCAAGGCGTTGCCTGTCTAGACAAACTAATAGAACTTGCCAAA[G>A]ATATGCCATCACTTAAAAACCTTGTTAACAATCTTCGAAAAGAGAAGTCAAAAGGTAATA-3'
Protein context (NP_002423.1, residues 61-81): CLDKLIELAK[Asp71Asn]MPSLKNLVNN